The following is an entry in ClinVar:

NM_004104.5(FASN):c.2100+6C>T

Gene: FASN (fatty acid synthase; minus strand). Cytogenetic location: 17q25.3.
Variant type: single nucleotide variant.
Coding change: c.2100+6C>T on transcript NM_004104.5 (MANE Select); 6 bases into the intron after coding-DNA position 2100, C replaced by T.
Molecular consequence: intron variant.
Genome position (GRCh38, 1-based): chr17:82,089,244, G>A on the plus strand (C>T on the coding strand, the complement: FASN is on the minus strand). VCF-style: chr17-82089244-G-A. GRCh37 (hg19) VCF-style: chr17-80047120-G-A.
Identifiers: ClinVar variation 1415827 (VCV001415827.7), dbSNP rs183504426, ClinGen allele CA8852924.
Genomic context (GRCh38, chr17:82,089,244, plus strand): 5'-GCCAGGTCAGTGCTGGGTTGTGGGTCCCCTGGCCCGCCCCGCACCCCCCAGGCCGTATTA[G>A]TCCACCTTCTTGAGCTCCTGCAGCAGTGGGGGTGCGATGGCCTCCATGAAGTAGGAGTGG-3'

ClinVar aggregate classification (germline): Conflicting classifications of pathogenicity. Review status: criteria provided, conflicting classifications (1 of 4 stars). 2 submissions from 2 submitters: Uncertain significance (1); Likely benign (1). Last evaluated 2024-12-02.

Conditions:
Epileptic encephalopathy. Identifiers: MedGen C0543888, HP:0200134.

Allele frequency attached by ClinVar (database versions not stated): TOPMed below 0.00001; gnomAD 0.00001 and 0.00003; gnomAD exomes 0.00001 and 0.00004; ExAC 0.00002; 1000 Genomes Project 0.00040; 1000 Genomes Project 30x 0.00062.
gnomAD v4.1: 20 of 1,612,516 alleles (0.0012%); highest among the groups gnomAD compares: East Asian, 0.036%; no homozygotes.

Submissions (2):

Labcorp Genetics (formerly Invitae), Labcorp
Classification: Uncertain significance for Epileptic encephalopathy. Last evaluated: 2024-12-02. Review status: criteria provided, single submitter. Criteria: Invitae Variant Classification Sherloc (09022015). Collection method: clinical testing. Allele origin: germline.
Comment: This sequence change falls in intron 13 of the FASN gene. It does not directly change the encoded amino acid sequence of the FASN protein. It affects a nucleotide within the consensus splice site. This variant is present in population databases (rs183504426, gnomAD 0.05%). This variant has not been reported in the literature in individuals affected with FASN-related conditions. ClinVar contains an entry for this variant (Variation ID: 1415827). Variants that disrupt the consensus splice site are a relatively common cause of aberrant splicing (PMID: 17576681, 9536098). Algorithms developed to predict the effect of sequence changes on RNA splicing suggest that this variant is not likely to affect RNA splicing. In summary, the available evidence is currently insufficient to determine the role of this variant in disease. Therefore, it has been classified as a Variant of Uncertain Significance.

Blueprint Genetics
Classification: Likely benign. Last evaluated: 2023-11-30. Review status: criteria provided, single submitter. Criteria: ACMG Guidelines, 2015. Collection method: clinical testing. Allele origin: germline.

Literature cited by the submitters: PubMed 17576681 (cited by Labcorp Genetics (formerly Invitae), Labcorp); PubMed 9536098 (cited by Labcorp Genetics (formerly Invitae), Labcorp).